The following is an entry in ClinVar:

ClinVar aggregate classification (germline): Benign/Likely benign. Review status: criteria provided, multiple submitters, no conflicts (2 of 4 stars). 5 submissions from 5 submitters: Benign (1); Likely benign (4). Last evaluated 2026-03-01.

Conditions:
Dilated cardiomyopathy 1G (CMD1G). Identifiers: Orphanet 154, MedGen C1858763, MONDO:0011400, OMIM 604145.
Autosomal recessive limb-girdle muscular dystrophy type 2J (LGMDR10). Also called: MUSCULAR DYSTROPHY, LIMB-GIRDLE, AUTOSOMAL RECESSIVE 10; Limb-girdle muscular dystrophy, type 2J. Identifiers: Orphanet 140922, MedGen C1837342, MONDO:0012127, OMIM 608807.

Allele frequency attached by ClinVar (database versions not stated): 1000 Genomes Project 0.00020; ExAC 0.00023; gnomAD exomes 0.00025 and 0.00053; gnomAD 0.00026; 1000 Genomes Project 30x 0.00031.
gnomAD v4.1: 801 of 1,595,736 alleles (0.05%); highest among the groups gnomAD compares: Non-Finnish European, 0.066%; 37 homozygotes.

Submissions (5):

CeGaT Center for Human Genetics Tuebingen
Classification: Likely benign. Last evaluated: 2026-03-01. Review status: criteria provided, single submitter. Criteria: CeGaT Center For Human Genetics Tuebingen Variant Classification Criteria Version 2. Collection method: clinical testing. Allele origin: germline. Affected: yes. Observed: 1 variant allele.
Comment: TTN: BS2

Molecular Diagnostic Laboratory for Inherited Cardiovascular Disease, Montreal Heart Institute
Classification: Likely benign. Last evaluated: 2025-04-09. Review status: criteria provided, single submitter. Criteria: ACMG Guidelines, 2015. Collection method: clinical testing. Allele origin: germline. Affected: no.

Women's Health and Genetics/Laboratory Corporation of America, LabCorp
Classification: Benign. Last evaluated: 2025-01-09. Review status: criteria provided, single submitter. Criteria: LabCorp Variant Classification Summary - May 2015. Collection method: clinical testing. Allele origin: germline.
Comment: Variant summary: TTN c.31742-1759T>A, also known as c.38297-9T>A in NM_001267550, is located at a position not widely known to affect splicing. Several computational tools predict a significant impact on normal splicing: Two predict the variant abolishes a 3' acceptor site adjacent to exon 193 in the NM_001267220 transcript. However, these predictions have yet to be confirmed by functional studies. The variant allele was found at a frequency of 0.0005 in 1595736 control chromosomes, predominantly at a frequency of 0.00066 within the Non-Finnish European subpopulation in the gnomAD database, including 36 homozygotes. The observed variant frequency within Non-Finnish European control individuals in the gnomAD database is approximately 1.69 fold of the estimated maximal expected allele frequency for a pathogenic variant in TTN causing Autosomal Recessive Titinopathy phenotype (0.00039). To our knowledge, no occurrence of c.31742-1759T>A in individuals affected with TTN-related conditions and no experimental evidence demonstrating its impact on protein function have been reported. ClinVar contains an entry for this variant (Variation ID: 1331395). Based on the evidence outlined above, the variant was classified as benign.

Labcorp Genetics (formerly Invitae), Labcorp
Classification: Likely benign for Dilated cardiomyopathy 1G; Autosomal recessive limb-girdle muscular dystrophy type 2J. Last evaluated: 2024-10-21. Review status: criteria provided, single submitter. Criteria: Invitae Variant Classification Sherloc (09022015). Collection method: clinical testing. Allele origin: germline.

Blueprint Genetics
Classification: Likely benign. Last evaluated: 2024-10-01. Review status: criteria provided, single submitter. Criteria: ACMG Guidelines, 2015. Collection method: clinical testing. Allele origin: germline.

NM_001267550.2(TTN):c.38297-9T>A

Gene: TTN (titin; minus strand). Cytogenetic location: 2q31.2.
Variant type: single nucleotide variant.
Coding change: c.38297-9T>A on transcript NM_001267550.2 (MANE Select); 9 bases into the intron before coding-DNA position 38297, T replaced by A.
Molecular consequence: intron variant.
Genome position (GRCh38, 1-based): chr2:178,654,300, A>T on the plus strand (T>A on the coding strand, the complement: TTN is on the minus strand). VCF-style: chr2-178654300-A-T. GRCh37 (hg19) VCF-style: chr2-179519027-A-T.
Other names: c.13283-11983T>A (NM_003319.4); c.13859-11983T>A (NM_133437.4); c.13658-11983T>A (NM_133432.3); c.31742-1759T>A (NM_133378.4); c.34523-1759T>A (NM_001256850.1).
Identifiers: ClinVar variation 1331395 (VCV001331395.11), dbSNP rs199610136, ClinGen allele CA1997176.